The following is an entry in ClinVar:

NM_002878.4(RAD51D):c.1A>T (p.Met1Leu)

Genes: RAD51D (RAD51 paralog D; minus strand), RAD51L3-RFFL (RAD51L3-RFFL readthrough; minus strand). Cytogenetic location: 17q12.
Variant type: single nucleotide variant.
Coding change: c.1A>T on transcript NM_002878.4 (MANE Select); coding-DNA position 1, A replaced by T.
Protein change: p.Met1Leu; changes the start codon (methionine 1).
Molecular consequence: missense variant, initiator codon variant. On other transcripts: non-coding transcript variant (2).
Genome position (GRCh38, 1-based): chr17:35,119,613, T>A on the plus strand (A>T on the coding strand, the complement: RAD51D is on the minus strand). VCF-style: chr17-35119613-T-A. GRCh37 (hg19) VCF-style: chr17-33446632-T-A.
Other names: c.1A>T, p.Met1Leu (NM_001142571.2, NM_133629.3); short protein forms M1L.
Identifiers: ClinVar variation 419798 (VCV000419798.33), dbSNP rs561425038, ClinGen allele CA16620397.
Genomic context (GRCh38, chr17:35,119,613, plus strand): 5'-TGAGAAGCTGGATCATCTCCTCGGTAAGGCCAGGGCACAGTCCGACCCTGAGCACGCCCA[T>A]GTTCCCCGCAGGCCGGAACAGCCCCAGGGGGACTGCACGTCACGTGGGCATTCGCGGGGG-3'
Protein context (NP_002869.3, residues 1-11): [Met1Leu]GVLRVGLCPG

ClinVar aggregate classification (germline): Conflicting classifications of pathogenicity. Review status: criteria provided, conflicting classifications (1 of 4 stars). 12 submissions from 12 submitters: Pathogenic (1); Likely pathogenic (5); Uncertain significance (5). 1 of the submissions does not count toward it. Last evaluated 2026-07-21.

Conditions:
Hereditary cancer-predisposing syndrome. Also called: Tumor predisposition; Neoplastic Syndromes, Hereditary; Hereditary Cancer Syndrome; Hereditary neoplastic syndrome. Identifiers: Orphanet 140162, MedGen C0027672, MeSH D009386, MONDO:0015356.
Hereditary breast ovarian cancer syndrome. Also called: BRCA1- and BRCA2-Associated Hereditary Breast and Ovarian Cancer; Hereditary breast and ovarian cancer syndrome; Hereditary breast and ovarian cancer; Hereditary breast and ovarian cancer syndrome (HBOC); Hereditary breast and/or ovarian cancer syndrome; Breast and ovarian cancer. Identifiers: Orphanet 145, MedGen C0677776, MeSH D061325, MONDO:0003582. Disease mechanism: loss of function.
Breast-ovarian cancer, familial, susceptibility to, 4. Identifiers: Orphanet 145, MedGen C3280345, MONDO:0013669, OMIM 614291.
Familial ovarian cancer. Identifiers: MedGen C5679802, MONDO:0016248.

Submissions (12):

Department of Clinical Genetics, Copenhagen University Hospital, Rigshospitalet
Classification: Likely pathogenic for Hereditary cancer-predisposing syndrome. Last evaluated: 2026-07-21. Review status: criteria provided, single submitter. Criteria: ACMG Guidelines, 2015. Collection method: clinical testing. Allele origin: germline.
Comment: The following ACMG criteria was used: PM2_SUP (FAF 0,000068% in gnomAD v.4.1). PVS1_MOD (The variant is a start-loss variant, where an alternative start codon is localised at amino acid position 16. However several pathogenic variants are reported in the first 15 amino acids). PS3 (functional data show that the variants affect the function of RAD51D - PMID: 42327150)

German Consortium for Hereditary Breast and Ovarian Cancer, University Hospital Cologne
Classification: Likely pathogenic for Hereditary breast ovarian cancer syndrome. Last evaluated: 2026-03-10. Review status: criteria provided, single submitter. Criteria: ACMG SVI. Collection method: curation. Allele origin: germline.
Comment: This classification follows the ACMG SVI adaptation classification scheme; We chose these criteria: PVS1 (strong pathogenic): Start loss variant in RAD51D alternative start codon at position 16. But many pathogenic variants discribed in ovarian cancer patients within the first 15 amino acids., PS1 (medium pathogenic): Many pathogenic variants discribed in ovarian cancer patients within the first 15 amino acids., PM2 (supporting pathogenic): Absent/rare in gnomAD V3 and V4

Center for Genomic Medicine, Rigshospitalet, Copenhagen University Hospital
Classification: Uncertain significance. Last evaluated: 2025-12-29. Review status: criteria provided, single submitter. Criteria: ACMG Guidelines, 2015. Collection method: clinical testing. Allele origin: germline.
Comment: Classification criteria: PVS1_supporting, PM2_supporting

Ambry Genetics
Classification: Pathogenic for Hereditary cancer-predisposing syndrome. Last evaluated: 2025-11-05. Review status: criteria provided, single submitter. Criteria: Ambry Variant Classification Scheme 2023. Collection method: clinical testing. Allele origin: germline.
Comment: The p.M1? pathogenic mutation (also known as c.1A>T) is located in coding exon 1 of the RAD51D gene and results from an A to T substitution at nucleotide position 1. This alters the methionine residue at the initiation codon (ATG). A second in-frame methionine exists in RAD51D at amino acid position 16. However, this is predicted to be a relatively weak translation initiation site, and based on internal structural analysis, the first 15 amino acids are predicted to play an important role in protein function (Kim YM et al. Int J Biochem Cell Biol, 2011 Mar;43:416-22). This variant is considered to be rare based on population cohorts in the Genome Aggregation Database (gnomAD). Sequence variations that modify the initiation codon are expected to result in either loss of translation initiation, N-terminal truncation, or cause a shift in the mRNA reading frame. Based on the supporting evidence, this variant is interpreted as a disease-causing mutation.

Color Diagnostics, LLC DBA Color Health
Classification: Likely pathogenic for Hereditary cancer-predisposing syndrome. Last evaluated: 2025-09-02. Review status: criteria provided, single submitter. Criteria: ACMG Guidelines, 2015. Collection method: clinical testing. Allele origin: germline.
Comment: This variant results in the loss of the translation start codon (methionine at codon 1) of the RAD51D gene. Although functional studies have not been reported, this variant is expected to result in an absent or non-functional protein product. It has been shown that the highly conserved N-terminus (amino acids 1-83) of the RAD51D protein encodes the single-stranded DNA binding domain and that the 13-residue N-terminal tail (amino acids 1-13) contributes to proper protein folding via hydrophobic interactions between side chains of the N-terminal tail and alpha helices of the single-stranded DNA binding domain (PMID: 21111057). These findings suggest that the production of a full-length protein from p.Met1 is important for RAD51D function. While an in-frame methionine occurs at codon 16, it is not known if it can function as an alternative translation initiation site and produce a functional RAD51D protein. This variant has been reported in individuals affected with breast and ovarian cancer (PMID: 24130102, 33047316). A different nucleotide substitution (c.1A>G) with similar protein impact has been reported in individuals affected with ovarian cancer (PMID: 26681312, 30322717). This variant has not been identified in the general population by the Genome Aggregation Database (gnomAD). Based on the available evidence, this variant is classified as Likely Pathogenic.

Molecular Diagnostics Laboratory, Catalan Institute of Oncology
Classification: Uncertain significance for Hereditary cancer-predisposing syndrome. Last evaluated: 2025-07-03. Review status: criteria provided, single submitter. Criteria: ACMG Guidelines, 2015. Collection method: clinical testing. Allele origin: germline.
Comment: PVS1_Supporting, PM2_Supporting c.1A>T, located in the initiation codon of the RAD51D gene, is predicted to result in a null or non-functional protein (PVS1_Supporting). The next in-frame methionine (Met16) is located 15 residues downstream. If this methionine were used as an alternative start codon, the first 13 amino acids of the N-terminal domain would be lost. According to Kim et al. (2011), this domain appears to be essential for RAD51D�s interaction with XRCC2 and for its ssDNA-binding activity, both of which are critical for homologous recombination (PMID: 21111057). However, none of the known alternative transcripts uses Met16 or any other downstream start codon recognized by prediction tools such as ATGpr. On the other hand, no pathogenic or likely pathogenic missense variants have been reported upstream of this potential in-frame start codon (PVS1_Supporting). It is not present in the population database gnomAD v2.1.1, non cancer dataset (PM2_Supporting). The SpliceAI algorithm predicts no significant impact on splicing. A non-quantitative RNA study (PMID: 24130102) found no notable difference in transcript expression between the mutant and wild-type alleles. c.1A>T has been described in patients affected by breast cancer and/or ovarian cancer among other cancers (PMID: 24130102, 26681312 and internal data). This variant has been reported in the ClinVar database (2x uncertain significance, 4x likely pathogenic, 1x pathogenic). At present, ClinVar describes another variant at the same nucleotide, c.1A>G, classified as pathogenic (1x), likely pathogenic (4x), and of uncertain significance (2x). Furthermore, two other variants in the same codon are described: c.2T>A, classified as a variant of uncertain significance (1x) and as a likely pathogenic variant (3x), and c.2T>G, classified as uncertain significance (1x), likely pathogenic (1x), and pathogenic (2x). In no case is there functional evidence supporting the pathogenicity of these variants. Based on currently available information, the variant c.1A>T should be considered an uncertain significance variant according to ACMG guidelines.

Women's Health and Genetics/Laboratory Corporation of America, LabCorp
Classification: Uncertain significance. Last evaluated: 2024-08-26. Review status: criteria provided, single submitter. Criteria: LabCorp Variant Classification Summary - May 2015. Collection method: clinical testing. Allele origin: germline.
Comment: Variant summary: RAD51D c.1A>T (p.Met1Leu) alters the initiation codon and is predicted to result either in absence of the protein or truncation of the encoded protein due to translation initiation at a downstream codon. The next downstream in-frame initiation codon is at Met 16. Two of four in-silico tools predict a benign effect of the variant on protein function. Consensus agreement among computation tools predict no significant impact on normal splicing. However, these predictions have yet to be confirmed by functional studies. The variant allele was found at a frequency of 1.9e-06 in 1611004 control chromosomes (gnomAD database v4). c.1A>T has been reported in the literature in individuals affected with Hereditary Breast And Ovarian Cancer Syndrome (Gutierrez-Enriquez_2014, Cavaille_2021). These data do not allow any conclusion about variant significance. One publication reports experimental evidence evaluating transcript expression of the mutant allele, which showed no significant difference from Wildtype (Gutierrez-Enriquez_2014), however the assay is not quantitative and does not allow convincing conclusions about variant significance. The following publications have been ascertained in the context of this evaluation (PMID: 24130102, 26057125, 33047316). ClinVar contains an entry for this variant (Variation ID: 419798). Based on the evidence outlined above, the variant was classified as VUS-possibly pathogenic.

Labcorp Genetics (formerly Invitae), Labcorp
Classification: Uncertain significance for Breast-ovarian cancer, familial, susceptibility to, 4. Last evaluated: 2024-04-29. Review status: criteria provided, single submitter. Criteria: Invitae Variant Classification Sherloc (09022015). Collection method: clinical testing. Allele origin: germline.
Comment: This sequence change affects the initiator methionine of the RAD51D mRNA. The next in-frame methionine is located at codon 16. This variant is not present in population databases (gnomAD no frequency). Disruption of the initiator codon has been observed in individual(s) with breast and ovarian cancer (PMID: 24130102). ClinVar contains an entry for this variant (Variation ID: 419798). Studies have shown that disruption of the initiator codon does not significantly alter or has an unclear effect on RAD51D gene expression (PMID: 24130102). In summary, the available evidence is currently insufficient to determine the role of this variant in disease. Therefore, it has been classified as a Variant of Uncertain Significance.

Molecular Pathology, Peter Maccallum Cancer Centre
Classification: Uncertain significance for Familial ovarian cancer. Last evaluated: 2024-01-10. Review status: criteria provided, single submitter. Criteria: ACMG Guidelines, 2015. Collection method: clinical testing. Allele origin: germline. Inheritance: Autosomal dominant inheritance.

GeneDx
Classification: Likely pathogenic. Last evaluated: 2020-05-05. Review status: criteria provided, single submitter. Criteria: GeneDx Variant Classification Process June 2021. Collection method: clinical testing. Allele origin: germline. Affected: yes.
Comment: Initiation codon variant in a gene for which loss-of-function is a known mechanism of disease; Not observed in large population cohorts (Lek 2016); This variant is associated with the following publications: (PMID: 24130102)

Revvity Omics, Revvity
Classification: Likely pathogenic. Last evaluated: 2019-05-06. Review status: criteria provided, single submitter. Criteria: ACMG Guidelines, 2015. Collection method: clinical testing. Allele origin: germline.

Counsyl
Classification: Likely pathogenic for Breast-ovarian cancer, familial, susceptibility to, 4. Last evaluated: 2017-02-27. Review status: no assertion criteria provided. Collection method: clinical testing. Allele origin: unknown. Not counted in ClinVar's aggregate classification.

Literature cited by the submitters: PubMed 42327150 (cited by Department of Clinical Genetics, Copenhagen University Hospital, Rigshospitalet); PubMed 24130102 (cited by 5 submitters); PubMed 33047316 (cited by 3 submitters); PubMed 21111057 (cited by 3 submitters); PubMed 26681312 (cited by Color Diagnostics, LLC DBA Color Health); PubMed 30322717 (cited by Color Diagnostics, LLC DBA Color Health); PubMed 26057125 (cited by Women's Health and Genetics/Laboratory Corporation of America, LabCorp).